The following is an entry in ClinVar:

NM_005060.4(RORC):c.769C>T (p.Arg257Cys)

Gene: RORC (RAR related orphan receptor C; minus strand). Cytogenetic location: 1q21.3.
Variant type: single nucleotide variant.
Coding change: c.769C>T on transcript NM_005060.4 (MANE Select); coding-DNA position 769, C replaced by T.
Protein change: p.Arg257Cys; replaces arginine 257 with cysteine.
Molecular consequence: missense variant.
Genome position (GRCh38, 1-based): chr1:151,814,955, G>A on the plus strand (C>T on the coding strand, the complement: RORC is on the minus strand). VCF-style: chr1-151814955-G-A. GRCh37 (hg19) VCF-style: chr1-151787431-G-A.
Other names: c.706C>T, p.Arg236Cys (NM_001001523.2); short protein forms R236C, R257C.
Identifiers: ClinVar variation 2159036 (VCV002159036.1), dbSNP rs780400028, ClinGen allele CA1095859.

ClinVar aggregate classification (germline): Uncertain significance (1 of 4 stars; one submission).

Conditions:
Autosomal recessive mendelian susceptibility to mycobacterial diseases due to complete RORgamma receptor deficiency. Also called: Immunodeficiency 42. Identifiers: Orphanet 477857, MedGen C5567647, MONDO:0014710, OMIM 616622.

Allele frequency attached by ClinVar (database versions not stated): ExAC 0.00001; gnomAD 0.00001; gnomAD exomes 0.00001; TOPMed 0.00002.

Submission:

Labcorp Genetics (formerly Invitae), Labcorp
Classification: Uncertain significance for Autosomal recessive mendelian susceptibility to mycobacterial diseases due to complete RORgamma receptor deficiency. Last evaluated: 2022-05-22. Review status: criteria provided, single submitter. Criteria: Invitae Variant Classification Sherloc (09022015). Collection method: clinical testing. Allele origin: germline.
Comment: This sequence change replaces arginine, which is basic and polar, with cysteine, which is neutral and slightly polar, at codon 257 of the RORC protein (p.Arg257Cys). This variant is present in population databases (rs780400028, gnomAD 0.003%). This variant has not been reported in the literature in individuals affected with RORC-related conditions. Algorithms developed to predict the effect of missense changes on protein structure and function output the following: SIFT: "Tolerated"; PolyPhen-2: "Benign"; Align-GVGD: "Class C0". The cysteine amino acid residue is found in multiple mammalian species, which suggests that this missense change does not adversely affect protein function. In summary, the available evidence is currently insufficient to determine the role of this variant in disease. Therefore, it has been classified as a Variant of Uncertain Significance.